The following is an entry in ClinVar:

NM_002292.4(LAMB2):c.4772G>A (p.Arg1591Gln)

Gene: LAMB2 (laminin subunit beta 2; minus strand). Cytogenetic location: 3p21.31.
Variant type: single nucleotide variant.
Coding change: c.4772G>A on transcript NM_002292.4 (MANE Select); coding-DNA position 4772, G replaced by A.
Protein change: p.Arg1591Gln; replaces arginine 1591 with glutamine.
Molecular consequence: missense variant.
Genome position (GRCh38, 1-based): chr3:49,122,172, C>T on the plus strand (G>A on the coding strand, the complement: LAMB2 is on the minus strand). VCF-style: chr3-49122172-C-T. GRCh37 (hg19) VCF-style: chr3-49159605-C-T.
Other names: short protein forms R1591Q.
Identifiers: ClinVar variation 2221716 (VCV002221716.2), dbSNP rs201829186, ClinGen allele CA74475629.

ClinVar aggregate classification (germline): Uncertain significance (1 of 4 stars; one submission).

Conditions:
Inborn genetic diseases. Identifiers: MedGen C0950123, MeSH D030342.

Allele frequency attached by ClinVar (database versions not stated): gnomAD 0.00001; TOPMed 0.00002.

Submission:

Ambry Genetics
Classification: Uncertain significance for Inborn genetic diseases. Last evaluated: 2021-01-28. Review status: criteria provided, single submitter. Criteria: Ambry Variant Classification Scheme 2023. Collection method: clinical testing. Allele origin: germline.
Comment: The c.4772G>A (p.R1591Q) alteration is located in exon 28 (coding exon 28) of the LAMB2 gene. This alteration results from a G to A substitution at nucleotide position 4772, causing the arginine (R) at amino acid position 1591 to be replaced by a glutamine (Q). The p.R1591Q alteration is predicted to be tolerated by in silico analysis. Based on insufficient or conflicting evidence, the clinical significance of this alteration remains unclear.